The following is an entry in ClinVar:

ClinVar aggregate classification (germline): Pathogenic. Review status: criteria provided, multiple submitters, no conflicts (2 of 4 stars). 9 submissions from 9 submitters: Pathogenic (9). Last evaluated 2026-10-06.

Conditions:
Hereditary cancer-predisposing syndrome. Also called: Neoplastic Syndromes, Hereditary; Hereditary Cancer Syndrome; Hereditary neoplastic syndrome; Tumor predisposition. Identifiers: Orphanet 140162, MedGen C0027672, MeSH D009386, MONDO:0015356.
Cardiovascular phenotype. Identifiers: MedGen CN230736.
Neurofibromatosis, type 1 (NF1). Also called: VON RECKLINGHAUSEN DISEASE; Peripheral type neurofibromatosis; Neurofibromatosis, type I; NEUROFIBROMATOSIS, TYPE I, SOMATIC. Identifiers: Orphanet 636, MedGen C0027831, MONDO:0018975, OMIM 162200. Disease mechanism: loss of function.

Allele frequency attached by ClinVar (database versions not stated): gnomAD 0.00001; TOPMed below 0.00001.
gnomAD v4.1: 1 of 1,590,722 alleles (0.000063%); highest among the groups gnomAD compares: Admixed American, 0.0017%; no homozygotes.

Submissions (9):

NHS Central & South Genomic Laboratory Hub
Classification: Pathogenic for Neurofibromatosis type 1. Last evaluated: 2026-10-06. Review status: criteria provided, single submitter. Criteria: ACMG Guidelines, 2015. Collection method: clinical testing. Allele origin: germline. Affected: yes.

Ambry Genetics
Classification: Pathogenic for Cardiovascular phenotype; Hereditary cancer-predisposing syndrome. Last evaluated: 2026-04-28. Review status: criteria provided, single submitter. Criteria: Ambry Variant Classification Scheme 2023. Collection method: clinical testing. Allele origin: germline.
Comment: The c.1721+1G>A intronic pathogenic mutation results from a G to A substitution one nucleotide after coding exon 15 of the NF1 gene. This variant was reported in individual(s) with features consistent with neurofibromatosis type 1 (Sabbagh A et al. Hum Mutat, 2013 Nov;34:1510-8; Pros E et al. Hum Mutat, 2008 Sep;29:E173-93; Ambry internal data). This variant is considered to be rare based on population cohorts in the Genome Aggregation Database (gnomAD). This nucleotide position is highly conserved in available vertebrate species. In silico splice site analysis predicts that this alteration will weaken the native splice donor site. RNA studies have demonstrated that this variant results in abnormal splicing in the set of samples tested (Ambry internal data). Other variant(s) impacting the same donor site (c.1721G>C, c.1721+3A>G) have been shown to have a similar impact on splicing in individual(s) with features consistent with neurofibromatosis type 1 (Ambry internal data). Variants that disrupt the canonical splice site are expected to cause aberrant splicing, resulting in an abnormal protein or a transcript that is subject to nonsense-mediated mRNA decay. As such, this variant is classified as a disease-causing mutation.

Labcorp Genetics (formerly Invitae), Labcorp
Classification: Pathogenic for Neurofibromatosis, type 1. Last evaluated: 2025-10-19. Review status: criteria provided, single submitter. Criteria: Invitae Variant Classification Sherloc (09022015). Collection method: clinical testing. Allele origin: germline.
Comment: This sequence change affects a donor splice site in intron 15 of the NF1 gene. RNA analysis indicates that disruption of this splice site induces altered splicing and may result in an absent or altered protein product. This variant is not present in population databases (gnomAD no frequency). Disruption of this splice site has been observed in individual(s) with neurofibromatosis type 1 (PMID: 18546366, 23913538). Invitae Evidence Modeling of clinical and family history, age, sex, and reported ancestry of multiple individuals with this NF1 variant has been performed. This variant is expected to be pathogenic with a positive predictive value of at least 99%. This is a validated machine learning model that incorporates the clinical features of 1,785,918 individuals referred to our laboratory for NF1 testing. ClinVar contains an entry for this variant (Variation ID: 457545). Studies have shown that disruption of this splice site results in skipping of exon 15, also known as exon 11, and produces a non-functional protein and/or introduces a premature termination codon (PMID: 18546366). For these reasons, this variant has been classified as Pathogenic.

ARUP Laboratories, Molecular Genetics and Genomics, ARUP Laboratories
Classification: Pathogenic. Last evaluated: 2025-07-10. Review status: criteria provided, single submitter. Criteria: ARUP Molecular Germline Variant Investigation Process 2024. Collection method: clinical testing. Allele origin: germline.
Comment: The NF1 c.1721+1G>A variant (rs1131691096, ClinVar Variation ID: 457545) is reported in the literature in individuals affected with neurofibromatosis type I (Pros 2008, Sabbagh 2013). This variant is absent from the Genome Aggregation Database (v2.1.1), indicating it is not a common polymorphism. This variant disrupts the canonical splice donor site of intron 15, which is likely to negatively impact gene function. Based on available information, this variant is considered to be pathogenic. References: Pros E et al. Nature and mRNA effect of 282 different NF1 point mutations: focus on splicing alterations. Hum Mutat. 2008 Sep;29(9):E173-93. PMID: 18546366. Sabbagh A et al. NF1 molecular characterization and neurofibromatosis type I genotype-phenotype correlation: the French experience. Hum Mutat. 2013 Nov;34(11):1510-8. PMID: 23913538.

GeneDx
Classification: Pathogenic. Last evaluated: 2024-12-30. Review status: criteria provided, single submitter. Criteria: GeneDx Variant Classification Process June 2021. Collection method: clinical testing. Allele origin: germline. Affected: yes.
Comment: Canonical splice site variant predicted to result in a null allele in a gene for which loss of function is a known mechanism of disease; Not observed at significant frequency in large population cohorts (gnomAD); This variant is associated with the following publications: (PMID: 18546366, 25525159, 23913538, 35307203, 34308104, Wang2023[article])

Greenwood Genetic Center Diagnostic Laboratories, Greenwood Genetic Center
Classification: Pathogenic for Neurofibromatosis, type 1. Last evaluated: 2023-11-01. Review status: criteria provided, single submitter. Criteria: ACMG Guidelines, 2015. Collection method: clinical testing. Allele origin: germline. Affected: yes.
Comment: PVS1, PS4_Moderate, PM2, PM6

Division of Human Genetics, National Health Laboratory Service/University of the Witwatersrand
Classification: Pathogenic for Neurofibromatosis, type 1. Last evaluated: 2023-07-01. Review status: criteria provided, single submitter. Criteria: ACMG Guidelines, 2015. Collection method: research. Allele origin: germline. Affected: yes.

Genome-Nilou Lab
Classification: Pathogenic for Neurofibromatosis, type 1. Last evaluated: 2022-03-15. Review status: criteria provided, single submitter. Criteria: ACMG Guidelines, 2015. Collection method: clinical testing. Allele origin: germline. Affected: no.

Center of Genomic medicine, Geneva, University Hospital of Geneva
Classification: Pathogenic for Neurofibromatosis, type 1. Last evaluated: 2018-03-05. Review status: criteria provided, single submitter. Criteria: ACMG Guidelines, 2015. Collection method: clinical testing. Allele origin: germline. Affected: yes. Observed: 1 variant allele.

Literature cited by the submitters: PubMed 18546366 (cited by Ambry Genetics and Labcorp Genetics (formerly Invitae), Labcorp); PubMed 23913538 (cited by Ambry Genetics and Labcorp Genetics (formerly Invitae), Labcorp).

NM_001042492.3(NF1):c.1721+1G>A

Gene: NF1 (neurofibromin 1; plus strand). Cytogenetic location: 17q11.2.
Variant type: single nucleotide variant.
Coding change: c.1721+1G>A on transcript NM_001042492.3 (MANE Select); the canonical splice donor site of the intron after coding-DNA position 1721, G replaced by A.
Molecular consequence: splice donor variant. On other transcripts: synonymous variant (1).
Genome position (GRCh38, 1-based): chr17:31,221,930, G>A. VCF-style: chr17-31221930-G-A. GRCh37 (hg19) VCF-style: chr17-29548948-G-A.
Other names: c.1722G>A, p.Arg574= (NM_001128147.3); c.1721+1G>A (NM_000267.4).
Identifiers: ClinVar variation 457545 (VCV000457545.25), dbSNP rs1131691096, ClinGen allele CA399002391.
Genomic context (GRCh38, chr17:31,221,930, plus strand): 5'-GTTAGATAGCATTGATTTGTGGAATCCTGATGCTCCTGTAGAAACATTTTGGGAGATTAG[G>A]TATATGTACTTTTATTTTTTAAATTCAACTTTTAAATTTTATTTTGTATTTTTGTCTTGA-3'